The following is an entry in ClinVar:

NM_012301.4(MAGI2):c.3780C>G (p.Asp1260Glu)

Gene: MAGI2 (membrane associated guanylate kinase, WW and PDZ domain containing 2; minus strand). Cytogenetic location: 7q21.11.
Variant type: single nucleotide variant.
Coding change: c.3780C>G on transcript NM_012301.4 (MANE Select); coding-DNA position 3780, C replaced by G.
Protein change: p.Asp1260Glu; replaces aspartic acid 1260 with glutamic acid.
Molecular consequence: missense variant.
Genome position (GRCh38, 1-based): chr7:78,019,903, G>C on the plus strand (C>G on the coding strand, the complement: MAGI2 is on the minus strand). VCF-style: chr7-78019903-G-C. GRCh37 (hg19) VCF-style: chr7-77649220-G-C.
Other names: c.3738C>G, p.Asp1246Glu (NM_001301128.2); short protein forms D1246E, D1260E.
Identifiers: ClinVar variation 1957196 (VCV001957196.5), dbSNP rs888049635, ClinGen allele CA161025478.
Genomic context (GRCh38, chr7:78,019,903, plus strand): 5'-TATCTGGTGGGAAGGGTCGGAGGGTGGGGCTGGATGTGATGGAGAGAATGGAGCGAGGCC[G>C]TCGTCCAGGGAGACGCCTACTTCCGGCAGACCTGGGGCGGCGGCAGCGGGAGAACTCCAG-3'
Protein context (NP_036433.2, residues 1250-1270): GLPEVGVSLD[Asp1260Glu]GLAPFSPSHP

ClinVar aggregate classification (germline): Uncertain significance (1 of 4 stars; one submission).

gnomAD v4.1: 1 of 1,610,606 alleles (0.000062%); highest among the groups gnomAD compares: African/African-American, 0.0013%; no homozygotes.

Submission:

Labcorp Genetics (formerly Invitae), Labcorp
Classification: Uncertain significance. Last evaluated: 2025-06-12. Review status: criteria provided, single submitter. Criteria: Invitae Variant Classification Sherloc (09022015). Collection method: clinical testing. Allele origin: germline.
Comment: This sequence change replaces aspartic acid, which is acidic and polar, with glutamic acid, which is acidic and polar, at codon 1260 of the MAGI2 protein (p.Asp1260Glu). This variant is not present in population databases (gnomAD no frequency). This variant has not been reported in the literature in individuals affected with MAGI2-related conditions. ClinVar contains an entry for this variant (Variation ID: 1957196). An algorithm developed to predict the effect of missense changes on protein structure and function outputs the following: PolyPhen-2: "Probably Damaging". The glutamic acid amino acid residue is found in multiple mammalian species, which suggests that this missense change does not adversely affect protein function. In summary, the available evidence is currently insufficient to determine the role of this variant in disease. Therefore, it has been classified as a Variant of Uncertain Significance.